The following is an entry in ClinVar:

NM_003052.5(SLC34A1):c.644+5G>C

Gene: SLC34A1 (solute carrier family 34 member 1; plus strand). Cytogenetic location: 5q35.3.
Variant type: single nucleotide variant.
Coding change: c.644+5G>C on transcript NM_003052.5 (MANE Select); 5 bases into the intron after coding-DNA position 644, G replaced by C.
Molecular consequence: intron variant.
Genome position (GRCh38, 1-based): chr5:177,387,878, G>C. VCF-style: chr5-177387878-G-C. GRCh37 (hg19) VCF-style: chr5-176814879-G-C.
Other names: c.644+5G>C (NM_001167579.2).
Identifiers: ClinVar variation 2585215 (VCV002585215.2), dbSNP rs1420848876, ClinGen allele CA1603564715.
Genomic context (GRCh38, chr5:177,387,878, plus strand): 5'-GTCACCAACACCATCGTGGCCCTGATGCAGGCGGGGGACAGGACTGACTTCCGGCGGTGA[G>C]GGGGGCTGGGGGTTGGGGGCTCGTGCCTGGGGGAGGACAGCCCCAGATGCCAGGAACCCC-3'

ClinVar aggregate classification (germline): Uncertain significance. Review status: criteria provided, multiple submitters, no conflicts (2 of 4 stars). 2 submissions from 2 submitters: Uncertain significance (2). Last evaluated 2024-11-14.

Conditions:
Hypercalcemia, infantile, 2 (HCINF2). Identifiers: Orphanet 300547, MedGen C4310473, MONDO:0014851, OMIM 616963.

Submissions (2):

Blueprint Genetics
Classification: Uncertain significance. Last evaluated: 2024-11-14. Review status: criteria provided, single submitter. Criteria: ACMG Guidelines, 2015. Collection method: clinical testing. Allele origin: germline.

Neuberg Centre For Genomic Medicine, NCGM
Classification: Uncertain significance for Hypercalcemia, infantile, 2. Review status: criteria provided, single submitter. Criteria: ACMG Guidelines, 2015. Collection method: clinical testing. Allele origin: germline. Inheritance: Autosomal recessive inheritance. Affected: yes.
Comment: The splice region variant c.644+5G>C in SLC34A1 (NM_003052.5) has not been reported previously as a pathogenic variant nor as a benign variant, to our knowledge. The nucleotide c.644+5G>C in SLC34A1 is predicted conserved by GERP++ and PhyloP across 100 vertebrates. Insilico tools suggest contradictory splice site predictions for this variant. For these reasons, this variant has been classified as Uncertain significance.